The following is an entry in ClinVar:

ClinVar aggregate classification (germline): Uncertain significance (1 of 4 stars; one submission).

Submission:

GeneDx
Classification: Uncertain significance. Last evaluated: 2024-12-26. Review status: criteria provided, single submitter. Criteria: GeneDx Variant Classification Process June 2021. Collection method: clinical testing. Allele origin: germline. Affected: yes.
Comment: Not observed at significant frequency in large population cohorts (gnomAD); In-frame deletion of 4 amino acid(s) in a non-repeat region; In silico analysis supports a deleterious effect on protein structure/function; Has not been previously published as pathogenic or benign to our knowledge

NM_194454.3(KRIT1):c.1428_1439del (p.Tyr477_Pro480del)

Gene: KRIT1 (KRIT1 ankyrin repeat containing; minus strand). Cytogenetic location: 7q21.2.
Variant type: Deletion.
Coding change: c.1428_1439del on transcript NM_194454.3 (MANE Select); coding-DNA positions 1428 to 1439, 12 bases deleted (ATATCATAAACC).
Protein change: p.Tyr477_Pro480del.
Genome position (GRCh38, 1-based): chr7:92,222,026-92,222,037, GGTTTATGATAT deleted on the plus strand (ATATCATAAACC on the coding strand, the reverse complement: KRIT1 is on the minus strand); deleting any 12 consecutive bases within chr7:92,222,026-92,222,042 gives the same sequence; the c. name uses the placement nearest the transcript's 3' end. VCF-style (leftmost placement, unchanged base first): chr7-92222025-GGGTTTATGATAT-G. GRCh37 (hg19) VCF-style: chr7-91851339-GGGTTTATGATAT-G.
Other names: c.1284_1295del, p.Tyr429_Pro432del (NM_001013406.2, NM_001350669.1, NM_001350670.1); c.714_725del, p.Tyr239_Pro242del (NM_001350671.1); c.1428_1439del, p.Tyr477_Pro480del (NM_001350672.1, NM_001350673.1, NM_001350674.1 and 26 more transcripts).
Identifiers: ClinVar variation 3907908 (VCV003907908.1).